The following is an entry in ClinVar:

NM_020631.6(PLEKHG5):c.984+13C>G

Gene: PLEKHG5 (pleckstrin homology and RhoGEF domain containing G5; minus strand). Cytogenetic location: 1p36.31.
Variant type: single nucleotide variant.
Coding change: c.984+13C>G on transcript NM_020631.6 (MANE Select); 13 bases into the intron after coding-DNA position 984, C replaced by G.
Molecular consequence: intron variant.
Genome position (GRCh38, 1-based): chr1:6,472,973, G>C on the plus strand (C>G on the coding strand, the complement: PLEKHG5 is on the minus strand). VCF-style: chr1-6472973-G-C. GRCh37 (hg19) VCF-style: chr1-6533033-G-C.
Other names: c.984+13C>G (NM_198681.4, NM_001265594.3, NM_001042664.2 and 1 more transcripts); c.1095+13C>G (NM_001042663.3, NM_001265592.2); c.1191+13C>G (NM_001265593.2).
Identifiers: ClinVar variation 507496 (VCV000507496.9), dbSNP rs202154066, ClinGen allele CA561693.
Genomic context (GRCh38, chr1:6,472,973, plus strand): 5'-TGATCACTGGGTCCTCCCGAGGGCTGTCCTCCTTTCGGGACAAGGAGGGAGCAGCACTGT[G>C]GCCCGCACTCACCTCATGCCCATCAATGAGCTCCCGCCAGCTGTCCTCCAGCCTCAGGCA-3'

ClinVar aggregate classification (germline): Likely benign. Review status: criteria provided, multiple submitters, no conflicts (2 of 4 stars). 2 submissions from 2 submitters: Likely benign (2). Last evaluated 2025-08-06.

Conditions:
Neuronopathy, distal hereditary motor, autosomal recessive 4. Also called: Autosomal recessive lower motor neuron disease with childhood onset; NEUROPATHY, DISTAL HEREDITARY MOTOR, AUTOSOMAL RECESSIVE 4. Identifiers: Orphanet 206580, MedGen C1970211, MONDO:0012608, OMIM 611067.
Charcot-Marie-Tooth disease recessive intermediate C. Also called: CHARCOT-MARIE-TOOTH NEUROPATHY, RECESSIVE INTERMEDIATE C. Identifiers: Orphanet 369867, MedGen C3809309, MONDO:0014154, OMIM 615376.

Allele frequency attached by ClinVar (database versions not stated): ExAC 0.00003; gnomAD exomes 0.00003; TOPMed 0.00003; gnomAD 0.00006; 1000 Genomes Project 30x 0.00016; 1000 Genomes Project 0.00020.
gnomAD v4.1: 38 of 1,612,534 alleles (0.0024%); highest among the groups gnomAD compares: Non-Finnish European, 0.003%; no homozygotes.

Submissions (2):

Labcorp Genetics (formerly Invitae), Labcorp
Classification: Likely benign for Neuronopathy, distal hereditary motor, autosomal recessive 4; Charcot-Marie-Tooth disease recessive intermediate C. Last evaluated: 2025-08-06. Review status: criteria provided, single submitter. Criteria: Invitae Variant Classification Sherloc (09022015). Collection method: clinical testing. Allele origin: germline.

GeneDx
Classification: Likely benign. Last evaluated: 2017-02-17. Review status: criteria provided, single submitter. Criteria: GeneDx Variant Classification (06012015). Collection method: clinical testing. Allele origin: germline. Affected: yes.
Comment: This variant is considered likely benign or benign based on one or more of the following criteria: it is a conservative change, it occurs at a poorly conserved position in the protein, it is predicted to be benign by multiple in silico algorithms, and/or has population frequency not consistent with disease.